The following is an entry in ClinVar:

NM_170606.3(KMT2C):c.4541-3T>C

Gene: KMT2C (lysine methyltransferase 2C; minus strand). Cytogenetic location: 7q36.1.
Variant type: single nucleotide variant.
Coding change: c.4541-3T>C on transcript NM_170606.3 (MANE Select); 3 bases into the intron before coding-DNA position 4541, T replaced by C.
Molecular consequence: intron variant.
Genome position (GRCh38, 1-based): chr7:152,194,131, A>G on the plus strand (T>C on the coding strand, the complement: KMT2C is on the minus strand). VCF-style: chr7-152194131-A-G. GRCh37 (hg19) VCF-style: chr7-151891216-A-G.
Identifiers: ClinVar variation 4847428 (VCV004847428.1).

ClinVar aggregate classification (germline): Uncertain significance (1 of 4 stars; one submission).

gnomAD v4.1: 1 of 1,572,704 alleles (0.000064%); highest among the groups gnomAD compares: Non-Finnish European, 0.000086%; no homozygotes.

Submission:

Women's Health and Genetics/Laboratory Corporation of America, LabCorp
Classification: Uncertain significance. Last evaluated: 2026-03-06. Review status: criteria provided, single submitter. Criteria: LabCorp Variant Classification Summary - May 2015. Collection method: clinical testing. Allele origin: germline.
Comment: Variant summary: KMT2C c.4541-3T>C alters a non-conserved nucleotide located close to a canonical splice site and therefore could affect mRNA splicing, leading to a significantly altered protein sequence. Consensus agreement among computation tools predict no significant impact on normal splicing. However, these predictions have yet to be confirmed by functional studies. The variant allele was found at a frequency of 9.5e-06 in 210890 control chromosomes. The available data on variant occurrences in the general population are insufficient to allow any conclusion about variant significance. To our knowledge, no occurrence of c.4541-3T>C in individuals affected with KMT2C-related conditions and no experimental evidence demonstrating its impact on protein function have been reported. No submitters have cited clinical-significance assessments for this variant to ClinVar. Based on the evidence outlined above, the variant was classified as uncertain significance.